The following is an entry in ClinVar:

ClinVar aggregate classification (germline): Conflicting classifications of pathogenicity. Review status: criteria provided, conflicting classifications (1 of 4 stars). 4 submissions from 3 submitters: Uncertain significance (3); Likely benign (1). Last evaluated 2025-01-15.

Conditions:
Primary failure of tooth eruption. Also called: DENTAL NONERUPTION; PRIMARY RETENTION OF TEETH; POSTERIOR OPENBITE MALOCCLUSION, FAMILIAL; UNERUPTED SECOND PRIMARY MOLAR. Identifiers: Orphanet 412206, MedGen C1852222, MONDO:0007434, OMIM 125350.
Chondrodysplasia Blomstrand type (BOCD). Identifiers: Orphanet 50945, MedGen C1859148, MONDO:0008970, OMIM 215045.
Metaphyseal chondrodysplasia, Jansen type. Also called: Metaphyseal chondrodysplasia Murk Jansen type; PTH1R-Related Jansen Metaphyseal Chondrodysplasia. Identifiers: Orphanet 33067, MedGen C0265295, MONDO:0007982, OMIM 156400.
Eiken syndrome (EKNS). Also called: BONE MODELING DEFECT OF HANDS AND FEET. Identifiers: Orphanet 79106, MedGen C1838779, MONDO:0010803, OMIM 600002.

Allele frequency attached by ClinVar (database versions not stated): gnomAD exomes 0.00001 and 0.00003; ExAC 0.00003; TOPMed 0.00003; gnomAD 0.00004.
gnomAD v4.1: 18 of 1,613,196 alleles (0.0011%); highest among the groups gnomAD compares: African/African-American, 0.004%; no homozygotes.

Submissions (4):

Labcorp Genetics (formerly Invitae), Labcorp
Classification: Uncertain significance. Last evaluated: 2025-01-15. Review status: criteria provided, single submitter. Criteria: Invitae Variant Classification Sherloc (09022015). Collection method: clinical testing. Allele origin: germline.
Comment: This sequence change replaces arginine, which is basic and polar, with histidine, which is basic and polar, at codon 476 of the PTH1R protein (p.Arg476His). This variant is present in population databases (rs749111054, gnomAD 0.02%). This variant has not been reported in the literature in individuals affected with PTH1R-related conditions. ClinVar contains an entry for this variant (Variation ID: 345598). Invitae Evidence Modeling of protein sequence and biophysical properties (such as structural, functional, and spatial information, amino acid conservation, physicochemical variation, residue mobility, and thermodynamic stability) indicates that this missense variant is not expected to disrupt PTH1R protein function with a negative predictive value of 80%. In summary, the available evidence is currently insufficient to determine the role of this variant in disease. Therefore, it has been classified as a Variant of Uncertain Significance.

Fulgent Genetics
Classification: Uncertain significance for Primary failure of tooth eruption; Metaphyseal chondrodysplasia, Jansen type; Chondrodysplasia Blomstrand type; Eiken syndrome. Last evaluated: 2024-03-26. Review status: criteria provided, single submitter. Criteria: ACMG Guidelines, 2015. Collection method: clinical testing. Allele origin: germline.

Illumina Laboratory Services, Illumina
Classification: Likely benign for Metaphyseal chondrodysplasia, Jansen type. Last evaluated: 2018-01-13. Review status: criteria provided, single submitter. Criteria: ICSL Variant Classification Criteria 13 December 2019. Collection method: clinical testing. Allele origin: germline.
Comment: This variant was observed in the ICSL laboratory as part of a predisposition screen in an ostensibly healthy population. It had not been previously curated by ICSL or reported in the Human Gene Mutation Database (HGMD: prior to June 1st, 2018), and was therefore a candidate for classification through an automated scoring system. Utilizing variant allele frequency, disease prevalence and penetrance estimates, and inheritance mode, an automated score was calculated to assess if this variant is too frequent to cause the disease. Based on the score and internal cut-off values, a variant classified as likely benign is not then subjected to further curation. The score for this variant resulted in a classification of likely benign for this disease.

Illumina Laboratory Services, Illumina
Classification: Uncertain significance for Chondrodysplasia Blomstrand type. Last evaluated: 2018-01-13. Review status: criteria provided, single submitter. Criteria: ICSL Variant Classification Criteria 13 December 2019. Collection method: clinical testing. Allele origin: germline.

NM_000316.3(PTH1R):c.1427G>A (p.Arg476His)

Gene: PTH1R (parathyroid hormone 1 receptor; plus strand). Cytogenetic location: 3p21.31.
Variant type: single nucleotide variant.
Coding change: c.1427G>A on transcript NM_000316.3 (MANE Select); coding-DNA position 1427, G replaced by A.
Protein change: p.Arg476His; replaces arginine 476 with histidine.
Molecular consequence: missense variant.
Genome position (GRCh38, 1-based): chr3:46,903,301, G>A. VCF-style: chr3-46903301-G-A. GRCh37 (hg19) VCF-style: chr3-46944791-G-A.
Other names: c.1427G>A, p.Arg476His (NM_001184744.1); short protein forms R476H.
Identifiers: ClinVar variation 345598 (VCV000345598.9), dbSNP rs749111054, ClinGen allele CA2359562.